The following is an entry in ClinVar:

NM_000038.6(APC):c.12T>C (p.Ala4=)

Gene: APC (APC regulator of Wnt signaling pathway; plus strand). Cytogenetic location: 5q22.2.
Variant type: single nucleotide variant.
Coding change: c.12T>C on transcript NM_000038.6 (MANE Select); coding-DNA position 12, T replaced by C.
Protein change: p.Ala4=; no amino-acid change (alanine 4 retained).
Molecular consequence: synonymous variant. On other transcripts: 5 prime UTR variant (4), non-coding transcript variant (2), intron variant (11).
Genome position (GRCh38, 1-based): chr5:112,754,902, T>C. VCF-style: chr5-112754902-T-C. GRCh37 (hg19) VCF-style: chr5-112090599-T-C.
Other names: c.12T>C, p.Ala4= (NM_001127510.3, NM_001354895.2, NM_001354896.2 and 16 more transcripts); c.-1024T>C (NM_001354906.2, NM_001407470.1, NM_001407471.1 and 1 more transcripts); c.166-11424T>C (NM_001407446.1, NM_001354897.2, NM_001354902.2 and 1 more transcripts); c.-42-11424T>C (NM_001407453.1, NM_001354900.2, NM_001354901.2 and 1 more transcripts); c.61-11424T>C (NM_001407451.1, NM_001354898.2, NM_001354904.2).
Identifiers: ClinVar variation 3075517 (VCV003075517.2), dbSNP rs2149737307, ClinGen allele CA445752298.

ClinVar aggregate classification (germline): Likely benign. Review status: criteria provided, multiple submitters, no conflicts (2 of 4 stars). 2 submissions from 2 submitters: Likely benign (2). Last evaluated 2025-07-14.

Conditions:
Classic or attenuated familial adenomatous polyposis. Identifiers: MedGen CN372698, MONDO:0021057.
Familial adenomatous polyposis 1 (FAP1). Also called: POLYPOSIS, ADENOMATOUS INTESTINAL; FAMILIAL ADENOMATOUS POLYPOSIS 1, ATTENUATED. Identifiers: MedGen C2713442, MONDO:0021056, OMIM 175100. Disease mechanism: loss of function.

Submissions (2):

Labcorp Genetics (formerly Invitae), Labcorp
Classification: Likely benign for Familial adenomatous polyposis 1. Last evaluated: 2025-07-14. Review status: criteria provided, single submitter. Criteria: Invitae Variant Classification Sherloc (09022015). Collection method: clinical testing. Allele origin: germline.

All of Us Research Program, National Institutes of Health
Classification: Likely benign for Classic or attenuated familial adenomatous polyposis. Last evaluated: 2023-03-23. Review status: criteria provided, single submitter. Criteria: ACMG Guidelines, 2015. Collection method: clinical testing. Allele origin: germline. Inheritance: Autosomal dominant inheritance. Observed: 1 variant allele, 1 heterozygote.
Comment: This study involves interpretation of variants in research participants for the purpose of population health screening. Participant phenotype was not available at the time of variant classification. Additional details can be found in publication PMID: 35346344, PMCID: PMC8962531